The following is an entry in ClinVar:

NM_001903.5(CTNNA1):c.2328G>T (p.Leu776=)

Gene: CTNNA1 (catenin alpha 1; plus strand). Cytogenetic location: 5q31.2.
Variant type: single nucleotide variant.
Coding change: c.2328G>T on transcript NM_001903.5 (MANE Select); coding-DNA position 2328, G replaced by T.
Protein change: p.Leu776=; no amino-acid change (leucine 776 retained).
Molecular consequence: synonymous variant. On other transcripts: intron variant (1).
Genome position (GRCh38, 1-based): chr5:138,932,607, G>T. VCF-style: chr5-138932607-G-T. GRCh37 (hg19) VCF-style: chr5-138268296-G-T.
Other names: c.1189-1195G>T (NM_001324001.1); c.2328G>T (NM_001903.2); c.2328G>T, p.Leu776= (NM_001290307.3, NM_001323982.2, NM_001323983.1 and 2 more transcripts); c.2019G>T, p.Leu673= (NM_001290309.3); c.1959G>T, p.Leu653= (NM_001290310.3); c.1218G>T, p.Leu406= (NM_001290312.1, NM_001323987.1, NM_001323988.1 and 16 more transcripts); c.2235G>T, p.Leu745= (NM_001323986.2); c.879G>T, p.Leu293= (NM_001324006.1, NM_001324007.1, NM_001324008.1 and 2 more transcripts); and 2 more.
Identifiers: ClinVar variation 2415322 (VCV002415322.9), dbSNP rs774704189, ClinGen allele CA3432171.

ClinVar aggregate classification (germline): Benign/Likely benign. Review status: criteria provided, multiple submitters, no conflicts (2 of 4 stars). 3 submissions from 3 submitters: Benign (1); Likely benign (2). Last evaluated 2024-10-15.

Conditions:
Hereditary cancer-predisposing syndrome. Also called: Hereditary neoplastic syndrome; Tumor predisposition; Neoplastic Syndromes, Hereditary; Hereditary Cancer Syndrome. Identifiers: Orphanet 140162, MedGen C0027672, MeSH D009386, MONDO:0015356.
Hereditary diffuse gastric adenocarcinoma (HDGC). Also called: DIFFUSE GASTRIC AND LOBULAR BREAST CANCER SYNDROME. Identifiers: Orphanet 26106, MedGen C1708349, MONDO:0007648, OMIM 137215.

Submissions (3):

Myriad Genetics, Inc.
Classification: Benign for Hereditary diffuse gastric adenocarcinoma. Last evaluated: 2024-10-15. Review status: criteria provided, single submitter. Criteria: Myriad Autosomal Dominant, Autosomal Recessive and X-Linked Classification Criteria (2023). Collection method: clinical testing. Allele origin: unknown.
Comment: This variant is considered benign. This variant is a silent/synonymous amino acid change and it is not expected to impact splicing.

Ambry Genetics
Classification: Likely benign for Hereditary cancer-predisposing syndrome. Last evaluated: 2024-09-30. Review status: criteria provided, single submitter. Criteria: Ambry Variant Classification Scheme 2023. Collection method: clinical testing. Allele origin: germline.

Labcorp Genetics (formerly Invitae), Labcorp
Classification: Likely benign. Last evaluated: 2023-12-13. Review status: criteria provided, single submitter. Criteria: Invitae Variant Classification Sherloc (09022015). Collection method: clinical testing. Allele origin: germline.